The following is an entry in ClinVar:

NM_006516.4(SLC2A1):c.1211T>C (p.Ile404Thr)

Gene: SLC2A1 (solute carrier family 2 member 1; minus strand). Cytogenetic location: 1p34.2.
Variant type: single nucleotide variant.
Coding change: c.1211T>C on transcript NM_006516.4 (MANE Select); coding-DNA position 1211, T replaced by C.
Protein change: p.Ile404Thr; replaces isoleucine 404 with threonine.
Molecular consequence: missense variant.
Genome position (GRCh38, 1-based): chr1:42,927,672, A>G on the plus strand (T>C on the coding strand, the complement: SLC2A1 is on the minus strand). VCF-style: chr1-42927672-A-G. GRCh37 (hg19) VCF-style: chr1-43393343-A-G.
Other names: short protein forms I404T.
Identifiers: ClinVar variation 3707538 (VCV003707538.3).
Genomic context (GRCh38, chr1:42,927,672, plus strand): 5'-TACTGGAAGCACATGCCCACAATGAAATTTGAGGTCCAGTTGGAGAAGCCTGCAACGGCA[A>G]TGGCAGCTGGACGTGGACCCTGGCTGAAGAGTTCAGCCACGATGAACCATGGGATGGGGC-3'
Protein context (NP_006507.2, residues 394-414): LFSQGPRPAA[Ile404Thr]AVAGFSNWTS

ClinVar aggregate classification (germline): Uncertain significance. Review status: criteria provided, multiple submitters, no conflicts (2 of 4 stars). 2 submissions from 2 submitters: Uncertain significance (2). Last evaluated 2024-09-23.

Conditions:
GLUT1 deficiency syndrome 1, autosomal recessive. Identifiers: MedGen C3149117.

Submissions (2):

Labcorp Genetics (formerly Invitae), Labcorp
Classification: Uncertain significance for GLUT1 deficiency syndrome 1, autosomal recessive. Last evaluated: 2024-09-23. Review status: criteria provided, single submitter. Criteria: Invitae Variant Classification Sherloc (09022015). Collection method: clinical testing. Allele origin: germline.
Comment: This sequence change replaces isoleucine, which is neutral and non-polar, with threonine, which is neutral and polar, at codon 404 of the SLC2A1 protein (p.Ile404Thr). This variant is present in population databases (rs774646485, gnomAD 0.003%). This variant has not been reported in the literature in individuals affected with SLC2A1-related conditions. Invitae Evidence Modeling of protein sequence and biophysical properties (such as structural, functional, and spatial information, amino acid conservation, physicochemical variation, residue mobility, and thermodynamic stability) has been performed for this missense variant. However, the output from this modeling did not meet the statistical confidence thresholds required to predict the impact of this variant on SLC2A1 protein function. In summary, the available evidence is currently insufficient to determine the role of this variant in disease. Therefore, it has been classified as a Variant of Uncertain Significance.

Blueprint Genetics
Classification: Uncertain significance. Last evaluated: 2023-05-04. Review status: criteria provided, single submitter. Criteria: ACMG Guidelines, 2015. Collection method: clinical testing. Allele origin: germline.